The following is an entry in ClinVar:

NM_001571.6(IRF3):c.166-24A>G

Gene: IRF3 (interferon regulatory factor 3; minus strand). Cytogenetic location: 19q13.33.
Variant type: single nucleotide variant.
Coding change: c.166-24A>G on transcript NM_001571.6 (MANE Select); 24 bases into the intron before coding-DNA position 166, A replaced by G.
Molecular consequence: intron variant.
Genome position (GRCh38, 1-based): chr19:49,663,538, T>C on the plus strand (A>G on the coding strand, the complement: IRF3 is on the minus strand). VCF-style: chr19-49663538-T-C. GRCh37 (hg19) VCF-style: chr19-50166795-T-C.
Other names: c.-101-280A>G (NM_001197128.2, NM_001197126.2); c.-273-24A>G (NM_001197127.2, NM_001197125.2); c.61-24A>G (NM_001197123.2); c.166-24A>G (NM_001197124.2, NM_001197122.2).
Identifiers: ClinVar variation 2688252 (VCV002688252.2), dbSNP rs3810260, ClinGen allele CA9580516.

ClinVar aggregate classification (germline): Benign (1 of 4 stars; one submission).

Allele frequency attached by ClinVar (database versions not stated): TOPMed 0.02420; ExAC 0.02487; 1000 Genomes Project 30x 0.03545; ESP Exome Variant Server 0.00077; gnomAD exomes 0.00818; gnomAD 0.01402; 1000 Genomes Project 0.03574.
gnomAD v4.1: 14,173 of 1,612,594 alleles (0.88%); highest among the groups gnomAD compares: Admixed American, 15%; 955 homozygotes.

Submission:

Unidad de Genómica Garrahan, Hospital de Pediatría Garrahan
Classification: Benign. Last evaluated: 2024-01-24. Review status: criteria provided, single submitter. Criteria: ACMG Guidelines, 2015. Collection method: clinical testing. Allele origin: germline. Affected: no. Observed: 28 variant alleles.
Comment: This variant is classified as Benign based on local population frequency. This variant was detected in 29% of patients studied by a panel of primary immunodeficiencies. Number of patients: 28. Only high quality variants are reported.